The following is an entry in ClinVar:

NM_003791.4(MBTPS1):c.2599C>G (p.Leu867Val)

Gene: MBTPS1 (membrane bound transcription factor peptidase, site 1; minus strand). Cytogenetic location: 16q23.3.
Variant type: single nucleotide variant.
Coding change: c.2599C>G on transcript NM_003791.4 (MANE Select); coding-DNA position 2599, C replaced by G.
Protein change: p.Leu867Val; replaces leucine 867 with valine.
Molecular consequence: missense variant.
Genome position (GRCh38, 1-based): chr16:84,060,787, G>C on the plus strand (C>G on the coding strand, the complement: MBTPS1 is on the minus strand). VCF-style: chr16-84060787-G-C. GRCh37 (hg19) VCF-style: chr16-84094392-G-C.
Other names: c.2599C>G (NM_003791.2); short protein forms L867V.
Identifiers: ClinVar variation 1961911 (VCV001961911.7), dbSNP rs2085598982, ClinGen allele CA396927043.

ClinVar aggregate classification (germline): Uncertain significance. Review status: criteria provided, multiple submitters, no conflicts (2 of 4 stars). 2 submissions from 2 submitters: Uncertain significance (2). Last evaluated 2023-07-30.

Conditions:
Inborn genetic diseases. Identifiers: MedGen C0950123, MeSH D030342.

Allele frequency attached by ClinVar (database versions not stated): gnomAD exomes 0.00001.
gnomAD v4.1: 19 of 1,596,586 alleles (0.0012%); highest among the groups gnomAD compares: Non-Finnish European, 0.0015%; no homozygotes.

Submissions (2):

Ambry Genetics
Classification: Uncertain significance for Inborn genetic diseases. Last evaluated: 2023-07-30. Review status: criteria provided, single submitter. Criteria: Ambry Variant Classification Scheme 2023. Collection method: clinical testing. Allele origin: germline.

Labcorp Genetics (formerly Invitae), Labcorp
Classification: Uncertain significance. Last evaluated: 2021-12-27. Review status: criteria provided, single submitter. Criteria: Invitae Variant Classification Sherloc (09022015). Collection method: clinical testing. Allele origin: germline.
Comment: This variant is not present in population databases (gnomAD no frequency). This variant has not been reported in the literature in individuals affected with MBTPS1-related conditions. Algorithms developed to predict the effect of missense changes on protein structure and function (SIFT, PolyPhen-2, Align-GVGD) all suggest that this variant is likely to be disruptive. In summary, the available evidence is currently insufficient to determine the role of this variant in disease. Therefore, it has been classified as a Variant of Uncertain Significance. This sequence change replaces leucine, which is neutral and non-polar, with valine, which is neutral and non-polar, at codon 867 of the MBTPS1 protein (p.Leu867Val).